The following is an entry in ClinVar:

NM_020778.5(ALPK3):c.3886T>G (p.Cys1296Gly)

Gene: ALPK3 (alpha kinase 3; plus strand). Cytogenetic location: 15q25.3.
Variant type: single nucleotide variant.
Coding change: c.3886T>G on transcript NM_020778.5 (MANE Select); coding-DNA position 3886, T replaced by G.
Protein change: p.Cys1296Gly; replaces cysteine 1296 with glycine.
Molecular consequence: missense variant.
Genome position (GRCh38, 1-based): chr15:84,859,311, T>G. VCF-style: chr15-84859311-T-G. GRCh37 (hg19) VCF-style: chr15-85402542-T-G.
Other names: short protein forms C1296G.
Identifiers: ClinVar variation 2098660 (VCV002098660.4), dbSNP rs759209537, ClinGen allele CA7709757.

ClinVar aggregate classification (germline): Uncertain significance (1 of 4 stars; one submission).

Allele frequency attached by ClinVar (database versions not stated): ExAC 0.00002.
gnomAD v4.1: 1 of 1,614,104 alleles (0.000062%); no homozygotes.

Submission:

Labcorp Genetics (formerly Invitae), Labcorp
Classification: Uncertain significance. Last evaluated: 2024-03-18. Review status: criteria provided, single submitter. Criteria: Invitae Variant Classification Sherloc (09022015). Collection method: clinical testing. Allele origin: germline.
Comment: This sequence change replaces cysteine, which is neutral and slightly polar, with glycine, which is neutral and non-polar, at codon 1498 of the ALPK3 protein (p.Cys1498Gly). This variant is present in population databases (rs759209537, gnomAD 0.006%). This variant has not been reported in the literature in individuals affected with ALPK3-related conditions. ClinVar contains an entry for this variant (Variation ID: 2098660). An algorithm developed to predict the effect of missense changes on protein structure and function (PolyPhen-2) suggests that this variant is likely to be disruptive. In summary, the available evidence is currently insufficient to determine the role of this variant in disease. Therefore, it has been classified as a Variant of Uncertain Significance.